The following is an entry in ClinVar:

ClinVar aggregate classification (germline): Uncertain significance (0 of 4 stars; one submission).

Conditions:
MAGEL2-related disorder. Also called: MAGEL2-related condition.

Submission:

PreventionGenetics, part of Exact Sciences
Classification: Uncertain significance for MAGEL2-related condition. Last evaluated: 2023-12-15. Review status: no assertion criteria provided. Collection method: clinical testing. Allele origin: germline.
Comment: The MAGEL2 c.3177A>C variant is predicted to result in the amino acid substitution p.Leu1059Phe. To our knowledge, this variant has not been reported in the literature. This variant is reported in 0.0056% of alleles in individuals of East Asian descent in gnomAD. This variant falls within a highly paralogous region. Allele frequency data should be interpreted with caution. At this time, the clinical significance of this variant is uncertain due to the absence of conclusive functional and genetic evidence.

NM_019066.5(MAGEL2):c.3177A>C (p.Leu1059Phe)

Gene: MAGEL2 (MAGE family member L2; minus strand). Cytogenetic location: 15q11.2.
Variant type: single nucleotide variant.
Coding change: c.3177A>C on transcript NM_019066.5 (MANE Select); coding-DNA position 3177, A replaced by C.
Protein change: p.Leu1059Phe; replaces leucine 1059 with phenylalanine.
Molecular consequence: missense variant.
Genome position (GRCh38, 1-based): chr15:23,644,566, T>G on the plus strand (A>C on the coding strand, the complement: MAGEL2 is on the minus strand). VCF-style: chr15-23644566-T-G. GRCh37 (hg19) VCF-style: chr15-23889713-T-G.
Other names: short protein forms L1059F.
Identifiers: ClinVar variation 3355424 (VCV003355424.1).